The following is an entry in ClinVar:

NM_001164508.2(NEB):c.23505del (p.Asp7836fs)

Genes: NEB (nebulin; minus strand), RIF1 (replication timing regulatory factor 1; plus strand). Cytogenetic location: 2q23.3.
Variant type: Deletion.
Coding change: c.23505del on transcript NM_001164508.2 (MANE Select); coding-DNA position 23505, one base deleted (A; older notation c.23505delA).
Protein change: p.Asp7836fs; shifts the reading frame from aspartic acid 7836.
Molecular consequence: frameshift variant.
Genome position (GRCh38, 1-based): chr2:151,506,960, T deleted on the plus strand (A on the coding strand, the reverse complement: NEB is on the minus strand); the first of 2 consecutive T bases (chr2:151,506,960-151,506,961); deleting either gives the same sequence. VCF-style (leftmost placement, unchanged base first): chr2-151506959-CT-C. GRCh37 (hg19) VCF-style: chr2-152363473-CT-C.
Other names: c.23505del, p.Asp7836fs (NM_001164507.2); c.23610del, p.Asp7871fs (NM_001271208.2); c.18402del, p.Asp6135fs (NM_004543.5); short protein forms D6135fs, D7836fs, D7871fs.
Identifiers: ClinVar variation 1072056 (VCV001072056.8), dbSNP rs2153196376, ClinGen allele CA2499215000.
Genomic context (GRCh38, chr2:151,506,959, plus strand): 5'-GTAAATATACCGAGCTGAAATTCTTCTGATTTTCTTTTACACGCAGTATTTCTGGCGTGT[CT>C]TGAACAACTGTAATTTTTCCTTTACTGTTTTTAAGGTCACACTGGTATTGGAGCTATGAA-3'

ClinVar aggregate classification (germline): Pathogenic. Review status: criteria provided, multiple submitters, no conflicts (2 of 4 stars). 2 submissions from 2 submitters: Pathogenic (2). Last evaluated 2023-10-13.

Conditions:
Nemaline myopathy 2 (NEM2). Also called: Nemaline myopathy 2, autosomal recessive. Identifiers: MedGen C1850569, MONDO:0009725, OMIM 256030.

Submissions (2):

Myriad Genetics, Inc.
Classification: Pathogenic for Nemaline myopathy 2. Last evaluated: 2023-10-13. Review status: criteria provided, single submitter. Criteria: Myriad Autosomal Dominant, Autosomal Recessive and X-Linked Classification Criteria (2023). Collection method: clinical testing. Allele origin: unknown.
Comment: NM_001271208.1(NEB):c.23610delA(D7871Tfs*8) is expected to be pathogenic in the context of NEB-related nemaline myopathy. This variant is predicted to lead to an abnormal or absent protein product due to the creation of a premature termination codon in NEB, a gene where loss-of-function variants are known to be pathogenic. Please note: this variant was assessed in the context of healthy population screening.

Labcorp Genetics (formerly Invitae), Labcorp
Classification: Pathogenic for Nemaline myopathy 2. Last evaluated: 2020-05-21. Review status: criteria provided, single submitter. Criteria: Invitae Variant Classification Sherloc (09022015). Collection method: clinical testing. Allele origin: germline.
Comment: For these reasons, this variant has been classified as Pathogenic. Loss-of-function variants in NEB are known to be pathogenic (PMID: 25205138). This variant has not been reported in the literature in individuals with NEB-related conditions. This variant is not present in population databases (ExAC no frequency). This sequence change creates a premature translational stop signal (p.Asp7871Thrfs*8) in the NEB gene. It is expected to result in an absent or disrupted protein product.

Literature cited by the submitters: PubMed 25205138 (cited by Labcorp Genetics (formerly Invitae), Labcorp).